The following is an entry in ClinVar:

ClinVar aggregate classification (germline): Pathogenic. Review status: criteria provided, single submitter (1 of 4 stars). 5 submissions from 4 submitters: Pathogenic (1). 4 of the submissions do not count toward it. Last evaluated 2016-11-28.

Conditions:
Usher syndrome type 1 (USH1). Also called: RETINITIS PIGMENTOSA AND CONGENITAL DEAFNESS. Identifiers: Orphanet 231169, Orphanet 886, MedGen C1568247, MONDO:0010168, OMIM 276900.
Usher syndrome type 1G. Also called: USHER SYNDROME, TYPE IG, MILD. Identifiers: Orphanet 231169, Orphanet 886, MedGen C1847089, MONDO:0011748, OMIM 606943.

Submissions (5):

Mayo Clinic Laboratories, Mayo Clinic
Classification: Pathogenic for Usher syndrome type 1G. Last evaluated: 2016-11-28. Review status: criteria provided, single submitter. Criteria: ACMG Guidelines, 2015. Collection method: clinical testing. Allele origin: biparental.

Hereditary Research Laboratory, Bethlehem University
Classification: Pathogenic for Usher syndrome type 1G. Last evaluated: 2016-06-04. Review status: no assertion criteria provided. Collection method: research. Allele origin: germline. Affected: yes. Not counted in ClinVar's aggregate classification.
Comment: profound w/retinitis pigmentosum

GeneReviews
Classification: Pathogenic for Usher Syndrome Type I. Last evaluated: 2013-06-20. Review status: no assertion criteria provided. Collection method: curation. Allele origin: unknown. Not counted in ClinVar's aggregate classification.
ClinVar note: Converted during submission from pathologic to Pathogenic.

OMIM
Classification: Pathogenic for USHER SYNDROME, TYPE IG. Last evaluated: 2003-03-01. Review status: no assertion criteria provided. Collection method: literature only. Allele origin: germline. Not counted in ClinVar's aggregate classification.

GeneReviews
No classification provided. Condition: Usher syndrome type 1. Review status: no classification provided. Collection method: literature only. Allele origin: germline. Affected: yes. Not counted in ClinVar's aggregate classification.

Literature cited by the submitters: PubMed 12588794 (cited by OMIM); PubMed 11941484 (cited by GeneReviews); NCBI Bookshelf NBK1265 (cited by GeneReviews).

NM_173477.5(USH1G):c.832_851del (p.Ser278fs)

Gene: USH1G (USH1 protein network component sans; minus strand). Cytogenetic location: 17q25.1.
Variant type: Deletion.
Coding change: c.832_851del on transcript NM_173477.5 (MANE Select); coding-DNA positions 832 to 851, 20 bases deleted (TCGGACGAGGACAGCGTCTC).
Protein change: p.Ser278fs; shifts the reading frame from serine 278.
Molecular consequence: frameshift variant.
Genome position (GRCh38, 1-based): chr17:74,919,985-74,920,004, GAGACGCTGTCCTCGTCCGA deleted on the plus strand (TCGGACGAGGACAGCGTCTC on the coding strand, the reverse complement: USH1G is on the minus strand); deleting any 20 consecutive bases within chr17:74,919,985-74,920,007 gives the same sequence; the c. name uses the placement nearest the transcript's 3' end. VCF-style (leftmost placement, unchanged base first): chr17-74919984-GGAGACGCTGTCCTCGTCCGA-G. GRCh37 (hg19) VCF-style: chr17-72916079-GGAGACGCTGTCCTCGTCCGA-G.
Other names: c.523_542del, p.Ser175fs (NM_001282489.3); short protein forms S175fs, S278fs.
Identifiers: ClinVar variation 2916 (VCV000002916.9), dbSNP rs397515345, ClinGen allele CA340026.
Genomic context (GRCh38, chr17:74,919,984, plus strand): 5'-GTCGTGGCCTGAGTCGGTGCTGACCTCCGAGTGGGCAGGCTCGGCCGCCAGCGTGGCACG[GGAGACGCTGTCCTCGTCCGA>G]GAGGAACATGTCCCGGAGCGGGGCTCGGCCCCACTCCTTGGGATTGGCGTAGGTGCCCTG-3'